The following is an entry in ClinVar:

ClinVar aggregate classification (germline): Uncertain significance (1 of 4 stars; one submission).

Conditions:
Familial adenomatous polyposis 1 (FAP1). Also called: FAMILIAL ADENOMATOUS POLYPOSIS 1, ATTENUATED; POLYPOSIS, ADENOMATOUS INTESTINAL. Identifiers: MedGen C2713442, MONDO:0021056, OMIM 175100. Disease mechanism: loss of function.

Submission:

Labcorp Genetics (formerly Invitae), Labcorp
Classification: Uncertain significance for Familial adenomatous polyposis 1. Last evaluated: 2024-11-04. Review status: criteria provided, single submitter. Criteria: Invitae Variant Classification Sherloc (09022015). Collection method: clinical testing. Allele origin: germline.
Comment: This variant occurs in a non-coding region of the APC gene. It does not change the encoded amino acid sequence of the APC protein. This variant is not present in population databases (gnomAD no frequency). This variant has not been reported in the literature in individuals affected with APC-related conditions. Experimental studies and prediction algorithms are not available or were not evaluated, and the functional significance of this variant is currently unknown. In summary, the available evidence is currently insufficient to determine the role of this variant in disease. Therefore, it has been classified as a Variant of Uncertain Significance.

NM_001127511.3(APC):c.-132_-131insC

Gene: APC (APC regulator of Wnt signaling pathway; plus strand). Cytogenetic location: 5q22.2.
Variant type: Insertion.
Coding change: c.-132_-131insC on transcript NM_001127511.3; 132 bases upstream of the start codon through 131 bases upstream of the start codon, C inserted.
Molecular consequence: 5 prime UTR variant. On other transcripts: non-coding transcript variant (2).
Genome position: GRCh38 VCF-style: chr5-112707586-G-GC. GRCh37 (hg19) VCF-style: chr5-112043283-G-GC.
Other names: c.-315_-314insC (NM_001354895.2, NM_001407447.1, NM_001407452.1 and 3 more transcripts); c.-132_-131insC (NM_001354897.2, NM_001354902.2, NM_001407446.1); c.-82_-81insC (NM_001407448.1, NM_001407450.1, NM_001407457.1 and 1 more transcripts); c.-106_-105insC (NM_001407453.1); c.-1350_-1349insC (NM_001407470.1, NM_001407472.1).
Identifiers: ClinVar variation 1053062 (VCV001053062.4), dbSNP rs926268635, ClinGen allele CA124924951.